The following is an entry in ClinVar:

NM_017763.6(RNF43):c.1054C>G (p.His352Asp)

Gene: RNF43 (ring finger protein 43; minus strand). Cytogenetic location: 17q22.
Variant type: single nucleotide variant.
Coding change: c.1054C>G on transcript NM_017763.6 (MANE Select); coding-DNA position 1054, C replaced by G.
Protein change: p.His352Asp; replaces histidine 352 with aspartic acid.
Molecular consequence: missense variant.
Genome position (GRCh38, 1-based): chr17:58,358,722, G>C on the plus strand (C>G on the coding strand, the complement: RNF43 is on the minus strand). VCF-style: chr17-58358722-G-C. GRCh37 (hg19) VCF-style: chr17-56436083-G-C.
Other names: c.1054C>G, p.His352Asp (NM_001305544.3, NM_001438820.1, NM_001438821.1 and 1 more transcripts); c.673C>G, p.His225Asp (NM_001305545.2, NM_001437987.1); short protein forms H225D, H352D.
Identifiers: ClinVar variation 4863428 (VCV004863428.1).
Genomic context (GRCh38, chr17:58,358,722, plus strand): 5'-GTCGTGGGGGCCGAGCCACTGCACTCCGGGAAGGGCCCAACAGGTAGGCAGCAGGGAGGT[G>C]GTAGTGGGCATGGCCGGGATGCTGGCGAATGAGGTGGAGTCTTCGACCTGGTTCTTGGTA-3'
Protein context (NP_060233.3, residues 342-362): IRQHPGHAHY[His352Asp]LPAAYLLGPS

ClinVar aggregate classification (germline): Uncertain significance (1 of 4 stars; one submission).

gnomAD v4.1: 2 of 1,555,456 alleles (0.00013%); highest among the groups gnomAD compares: Non-Finnish European, 0.00017%; no homozygotes.

Submission:

Ambry Genetics
Classification: Uncertain significance. Last evaluated: 2026-06-03. Review status: criteria provided, single submitter. Criteria: Ambry Variant Classification Scheme 2023. Collection method: clinical testing. Allele origin: germline.
Comment: The p.H352D variant (also known as c.1054C>G), located in coding exon 8 of the RNF43 gene, results from a C to G substitution at nucleotide position 1054. The histidine at codon 352 is replaced by aspartic acid, an amino acid with similar properties. This amino acid position is conserved. In addition, this alteration is predicted to be tolerated by in silico analysis. Based on the available evidence, the clinical significance of this variant remains unclear.